The following is an entry in ClinVar:

ClinVar aggregate classification (germline): Uncertain significance (0 of 4 stars; one submission).

Conditions:
SASH1-related disorder. Also called: SASH1-related condition.

gnomAD v4.1: 22 of 1,608,848 alleles (0.0014%); highest among the groups gnomAD compares: Admixed American, 0.024%; no homozygotes.

Submission:

PreventionGenetics, part of Exact Sciences
Classification: Uncertain significance for SASH1-related condition. Last evaluated: 2024-09-15. Review status: no assertion criteria provided. Collection method: clinical testing. Allele origin: germline.
Comment: The SASH1 c.1319T>C variant is predicted to result in the amino acid substitution p.Ile440Thr. To our knowledge, this variant has not been reported in the literature. This variant is reported in 0.0062% of alleles in individuals of Latino descent in gnomAD. At this time, the clinical significance of this variant is uncertain due to the absence of conclusive functional and genetic evidence.

NM_015278.5(SASH1):c.1319T>C (p.Ile440Thr)

Gene: SASH1 (SAM and SH3 domain containing 1; plus strand). Cytogenetic location: 6q25.1.
Variant type: single nucleotide variant.
Coding change: c.1319T>C on transcript NM_015278.5 (MANE Select); coding-DNA position 1319, T replaced by C.
Protein change: p.Ile440Thr; replaces isoleucine 440 with threonine.
Molecular consequence: missense variant.
Genome position (GRCh38, 1-based): chr6:148,527,487, T>C. VCF-style: chr6-148527487-T-C. GRCh37 (hg19) VCF-style: chr6-148848623-T-C.
Other names: c.1184T>C, p.Ile395Thr (NM_001346505.2); c.947T>C, p.Ile316Thr (NM_001346506.2); c.602T>C, p.Ile201Thr (NM_001346507.2); c.1091T>C, p.Ile364Thr (NM_001346508.2); c.968T>C, p.Ile323Thr (NM_001346509.2); short protein forms I201T, I316T, I323T, I364T, I395T, I440T.
Identifiers: ClinVar variation 3354148 (VCV003354148.1).